The following is an entry in ClinVar:

ClinVar aggregate classification (germline): Benign/Likely benign. Review status: criteria provided, multiple submitters, no conflicts (2 of 4 stars). 2 submissions from 2 submitters: Benign (1); Likely benign (1). Last evaluated 2026-06-01.

Conditions:
Cognitive impairment - coarse facies - heart defects - obesity - pulmonary involvement - short stature - skeletal dysplasia syndrome. Also called: COGNITIVE IMPAIRMENT, COARSE FACIES, HEART DEFECTS, OBESITY, PULMONARY INVOLVEMENT, SHORT STATURE, AND SKELETAL DYSPLASIA; AFF4-Related CHOPS Syndrome; Chops syndrome. Identifiers: Orphanet 444077, MedGen C4085597, MONDO:0014609, OMIM 616368.

Allele frequency attached by ClinVar (database versions not stated): TOPMed 0.00003; gnomAD 0.00004 and 0.00007; gnomAD exomes 0.00006 and 0.00015; 1000 Genomes Project 30x 0.00016; ExAC 0.00019; 1000 Genomes Project 0.00020.

Submissions (2):

CeGaT Center for Human Genetics Tuebingen
Classification: Likely benign. Last evaluated: 2026-06-01. Review status: criteria provided, single submitter. Criteria: CeGaT Center For Human Genetics Tuebingen Variant Classification Criteria Version 2. Collection method: clinical testing. Allele origin: germline. Affected: yes. Observed: 1 variant allele.
Comment: AFF4: BP4, BP7

Labcorp Genetics (formerly Invitae), Labcorp
Classification: Benign for Cognitive impairment - coarse facies - heart defects - obesity - pulmonary involvement - short stature - skeletal dysplasia syndrome. Last evaluated: 2024-01-29. Review status: criteria provided, single submitter. Criteria: Invitae Variant Classification Sherloc (09022015). Collection method: clinical testing. Allele origin: germline.

NM_014423.4(AFF4):c.783C>T (p.Asp261=)

Gene: AFF4 (ALF transcription elongation factor 4; minus strand). Cytogenetic location: 5q31.1.
Variant type: single nucleotide variant.
Coding change: c.783C>T on transcript NM_014423.4 (MANE Select); coding-DNA position 783, C replaced by T.
Protein change: p.Asp261=; no amino-acid change (aspartic acid 261 retained).
Molecular consequence: synonymous variant.
Genome position (GRCh38, 1-based): chr5:132,934,282, G>A on the plus strand (C>T on the coding strand, the complement: AFF4 is on the minus strand). VCF-style: chr5-132934282-G-A. GRCh37 (hg19) VCF-style: chr5-132269974-G-A.
Identifiers: ClinVar variation 1599723 (VCV001599723.9), dbSNP rs200492884, ClinGen allele CA3409375.